The following is an entry in ClinVar:

NM_021625.5(TRPV4):c.-51G>A

Genes: MIR4497 (microRNA 4497; plus strand), TRPV4 (transient receptor potential cation channel subfamily V member 4; minus strand). Cytogenetic location: 12q24.11.
Variant type: single nucleotide variant.
Coding change: c.-51G>A on transcript NM_021625.5 (MANE Select); 51 bases upstream of the start codon, G replaced by A.
Molecular consequence: 5 prime UTR variant. On other transcripts: non-coding transcript variant (1).
Genome position (GRCh38, 1-based): chr12:109,833,369, C>T on the plus strand (G>A on the coding strand, the complement: TRPV4 is on the minus strand). VCF-style: chr12-109833369-C-T. GRCh37 (hg19) VCF-style: chr12-110271174-C-T.
Identifiers: ClinVar variation 514316 (VCV000514316.1), dbSNP rs1403366205, ClinGen allele CA481720773.
Genomic context (GRCh38, chr12:109,833,369, plus strand): 5'-CCTCGGCTGAGCCGCCCCTCCCGGGCCCGGGCCCCACTTACCTCCGGGACGGCTGGGCGC[C>T]GGCGGCCGGGAGATCCGCGCTTCCTGAATCCCGGCCGGCCCGCCCGGCGCCCGTCCGCCC-3'

ClinVar aggregate classification (germline): Likely benign (1 of 4 stars; one submission).

Allele frequency attached by ClinVar (database versions not stated): TOPMed below 0.00001 and 0.00001; gnomAD 0.00001.
gnomAD v4.1: 1 of 152,170 alleles (0.00066%); highest among the groups gnomAD compares: Non-Finnish European, 0.0015%; no homozygotes.

Submission:

GeneDx
Classification: Likely benign. Last evaluated: 2017-12-28. Review status: criteria provided, single submitter. Criteria: GeneDx Variant Classification (06012015). Collection method: clinical testing. Allele origin: germline. Affected: yes.
Comment: This variant is considered likely benign or benign based on one or more of the following criteria: it is a conservative change, it occurs at a poorly conserved position in the protein, it is predicted to be benign by multiple in silico algorithms, and/or has population frequency not consistent with disease.